The following is an entry in ClinVar:

ClinVar aggregate classification (germline): Conflicting classifications of pathogenicity. Review status: criteria provided, conflicting classifications (1 of 4 stars). 5 submissions from 3 submitters: Uncertain significance (4); Benign (1). Last evaluated 2025-04-30.

Conditions:
Complement component 3 deficiency. Identifiers: Orphanet 280133, MedGen C3151071, MONDO:0013417, OMIM 613779.
Atypical hemolytic-uremic syndrome with C3 anomaly. Also called: AHUS, SUSCEPTIBILITY TO, 5. Identifiers: Orphanet 2134, MedGen C2752037, MONDO:0013043, OMIM 612925.
Age related macular degeneration 9. Identifiers: MedGen C1969651, MONDO:0012659, OMIM 611378.

Allele frequency attached by ClinVar (database versions not stated): gnomAD 0.00003 and 0.00004; TOPMed 0.00014.

Submissions (5):

Labcorp Genetics (formerly Invitae), Labcorp
Classification: Uncertain significance. Last evaluated: 2025-04-30. Review status: criteria provided, single submitter. Criteria: Invitae Variant Classification Sherloc (09022015). Collection method: clinical testing. Allele origin: germline.
Comment: This sequence change replaces alanine, which is neutral and non-polar, with valine, which is neutral and non-polar, at codon 503 of the C3 protein (p.Ala503Val). This variant is present in population databases (rs781417846, gnomAD 0.1%). This variant has not been reported in the literature in individuals affected with C3-related conditions. ClinVar contains an entry for this variant (Variation ID: 893948). Invitae Evidence Modeling of protein sequence and biophysical properties (such as structural, functional, and spatial information, amino acid conservation, physicochemical variation, residue mobility, and thermodynamic stability) indicates that this missense variant is not expected to disrupt C3 protein function with a negative predictive value of 80%. In summary, the available evidence is currently insufficient to determine the role of this variant in disease. Therefore, it has been classified as a Variant of Uncertain Significance.

Fulgent Genetics
Classification: Uncertain significance for Age related macular degeneration 9; Atypical hemolytic-uremic syndrome with C3 anomaly; Complement component 3 deficiency. Last evaluated: 2024-06-14. Review status: criteria provided, single submitter. Criteria: ACMG Guidelines, 2015. Collection method: clinical testing. Allele origin: germline.

Illumina Laboratory Services, Illumina
Classification: Uncertain significance for Age related macular degeneration 9. Last evaluated: 2018-01-13. Review status: criteria provided, single submitter. Criteria: ICSL Variant Classification Criteria 13 December 2019. Collection method: clinical testing. Allele origin: germline.

Illumina Laboratory Services, Illumina
Classification: Uncertain significance for Complement component 3 deficiency. Last evaluated: 2018-01-13. Review status: criteria provided, single submitter. Criteria: ICSL Variant Classification Criteria 13 December 2019. Collection method: clinical testing. Allele origin: germline.

Illumina Laboratory Services, Illumina
Classification: Benign for Atypical hemolytic-uremic syndrome with C3 anomaly. Last evaluated: 2018-01-13. Review status: criteria provided, single submitter. Criteria: ICSL Variant Classification Criteria 13 December 2019. Collection method: clinical testing. Allele origin: germline.
Comment: This variant was observed in the ICSL laboratory as part of a predisposition screen in an ostensibly healthy population. It had not been previously curated by ICSL or reported in the Human Gene Mutation Database (HGMD: prior to June 1st, 2018), and was therefore a candidate for classification through an automated scoring system. Utilizing variant allele frequency, disease prevalence and penetrance estimates, and inheritance mode, an automated score was calculated to assess if this variant is too frequent to cause the disease. Based on the score and internal cut-off values, a variant classified as benign is not then subjected to further curation. The score for this variant resulted in a classification of benign for this disease.

NM_000064.4(C3):c.1508C>T (p.Ala503Val)

Gene: C3 (complement C3; minus strand). Cytogenetic location: 19p13.3.
Variant type: single nucleotide variant.
Coding change: c.1508C>T on transcript NM_000064.4 (MANE Select); coding-DNA position 1508, C replaced by T.
Protein change: p.Ala503Val; replaces alanine 503 with valine.
Molecular consequence: missense variant.
Genome position (GRCh38, 1-based): chr19:6,710,817, G>A on the plus strand (C>T on the coding strand, the complement: C3 is on the minus strand). VCF-style: chr19-6710817-G-A. GRCh37 (hg19) VCF-style: chr19-6710828-G-A.
Other names: short protein forms A503V.
Identifiers: ClinVar variation 893948 (VCV000893948.11), dbSNP rs781417846, ClinGen allele CA9129417.